The following is an entry in ClinVar:

NC_000017.10:g.(?_29585342)_(29665843_?)del

Genes: EVI2A (ecotropic viral integration site 2A; minus strand), EVI2B (ecotropic viral integration site 2B; minus strand), NF1 (neurofibromin 1; plus strand), OMG (oligodendrocyte myelin glycoprotein; minus strand). Cytogenetic location: 17q11.2.
Variant type: Deletion.
Identifiers: ClinVar variation 1458070 (VCV001458070.6).

ClinVar aggregate classification (germline): Pathogenic (1 of 4 stars; one submission).

Conditions:
Neurofibromatosis, type 1 (NF1). Also called: Neurofibromatosis, type I; VON RECKLINGHAUSEN DISEASE; NEUROFIBROMATOSIS, TYPE I, SOMATIC; Peripheral type neurofibromatosis. Identifiers: Orphanet 636, MedGen C0027831, MONDO:0018975, OMIM 162200. Disease mechanism: loss of function.

Submission:

Labcorp Genetics (formerly Invitae), Labcorp
Classification: Pathogenic for Neurofibromatosis, type 1. Last evaluated: 2021-01-28. Review status: criteria provided, single submitter. Criteria: Invitae Variant Classification Sherloc (09022015). Collection method: clinical testing. Allele origin: germline.
Comment: This variant disrupts the p.Lys1423 amino acid residue in NF1. Other variant(s) that disrupt this residue have been determined to be pathogenic (PMID: 1568247, 11857752, 23244495, 16786508, 27322474). This suggests that this residue is clinically significant, and that variants that disrupt this residue are likely to be disease-causing. For these reasons, this variant has been classified as Pathogenic. This variant has been observed in individual(s) with clinical features of NF1 (Invitae). This variant is a gross deletion of the genomic region encompassing exon(s) 31-45 of the NF1 gene. This variant would be expected to be in-frame, preserving the integrity of the reading frame.

Literature cited by the submitters: PubMed 1568247; PubMed 11857752; PubMed 23244495; PubMed 16786508; PubMed 27322474.